The following is an entry in ClinVar:

ClinVar aggregate classification (germline): Likely pathogenic. Review status: criteria provided, multiple submitters, no conflicts (2 of 4 stars). 2 submissions from 2 submitters: Likely pathogenic (2). Last evaluated 2024-07-12.

Conditions:
Bloom syndrome (BLM). Also called: Bloom-Torre-Machacek syndrome. Identifiers: Orphanet 125, MedGen C0005859, MONDO:0008876, OMIM 210900.

Submissions (2):

Natera, Inc.
Classification: Likely pathogenic for Bloom syndrome. Last evaluated: 2024-07-12. Review status: criteria provided, single submitter. Criteria: Natera Variant Classification Schema (03/2026). Collection method: clinical testing. Allele origin: germline.
Comment: The c.3559-1G>A variant in BLM is a canonical splice acceptor site variant predicted to affect pre-mRNA splicing, which may result in an abnormal transcript and altered protein product. This variant is expected to result in nonsense mediated decay, truncation, or a dysfunctional protein product. This variant is rare in the general population with a frequency below the threshold expected for the associated phenotype(s). Given the available evidence, this variant is classified as Likely Pathogenic.

Labcorp Genetics (formerly Invitae), Labcorp
Classification: Likely pathogenic for Bloom syndrome. Last evaluated: 2017-10-02. Review status: criteria provided, single submitter. Criteria: Invitae Variant Classification Sherloc (09022015). Collection method: clinical testing. Allele origin: germline.
Comment: Donor and acceptor splice site variants typically lead to a loss of protein function (PMID: 16199547), and loss-of-function variants in BLM are known to be pathogenic (PMID: 17407155). This sequence change affects an acceptor splice site in intron 18 of the BLM gene. It is expected to disrupt RNA splicing and likely results in an absent or disrupted protein product. This variant is not present in population databases (ExAC no frequency). This variant has not been reported in the literature in individuals with BLM-related disease. In summary, the currently available evidence indicates that the variant is pathogenic, but additional data are needed to prove that conclusively. Therefore, this variant has been classified as Likely Pathogenic.

Literature cited by the submitters: PubMed 16199547 (cited by Labcorp Genetics (formerly Invitae), Labcorp); PubMed 17407155 (cited by Labcorp Genetics (formerly Invitae), Labcorp).

NM_000057.4(BLM):c.3559-1G>A

Gene: BLM (BLM RecQ like helicase; plus strand). Cytogenetic location: 15q26.1.
Variant type: single nucleotide variant.
Coding change: c.3559-1G>A on transcript NM_000057.4 (MANE Select); the canonical splice acceptor site of the intron before coding-DNA position 3559, G replaced by A.
Molecular consequence: splice acceptor variant. On other transcripts: intron variant (1).
Genome position (GRCh38, 1-based): chr15:90,804,166, G>A. VCF-style: chr15-90804166-G-A. GRCh37 (hg19) VCF-style: chr15-91347396-G-A.
Other names: c.3559-1G>A (NM_001287246.2); c.2434-1G>A (NM_001287248.2); c.3359-4971G>A (NM_001287247.2).
Identifiers: ClinVar variation 524772 (VCV000524772.9), dbSNP rs1555424368, ClinGen allele CA393847872.
Genomic context (GRCh38, chr15:90,804,166, plus strand): 5'-CCCCTGTATGGGTACAAGTGCACATATACCCACTCCTATGATTTGTTTCTCTCTCATAAA[G>A]GTAGACTTTATGGAAACAGAAAATTCCAGCAGTGTGAAAAAACAAAAAGCGTTAGTAGCA-3'